The following is an entry in ClinVar:

NM_001005498.4(RHBDF2):c.617G>A (p.Arg206His)

Gene: RHBDF2 (rhomboid 5 homolog 2; minus strand). Cytogenetic location: 17q25.1.
Variant type: single nucleotide variant.
Coding change: c.617G>A on transcript NM_001005498.4 (MANE Select); coding-DNA position 617, G replaced by A.
Protein change: p.Arg206His; replaces arginine 206 with histidine.
Molecular consequence: missense variant. On other transcripts: non-coding transcript variant (3).
Genome position (GRCh38, 1-based): chr17:76,478,861, C>T on the plus strand (G>A on the coding strand, the complement: RHBDF2 is on the minus strand). VCF-style: chr17-76478861-C-T. GRCh37 (hg19) VCF-style: chr17-74474943-C-T.
Other names: c.617G>A, p.Arg206His (NM_001376228.1, NM_001376229.1, NM_001376230.1); c.704G>A, p.Arg235His (NM_024599.5); short protein forms R206H, R235H.
Identifiers: ClinVar variation 1319624 (VCV001319624.6), dbSNP rs145040227, ClinGen allele CA8787298.

ClinVar aggregate classification (germline): Uncertain significance. Review status: criteria provided, multiple submitters, no conflicts (2 of 4 stars). 2 submissions from 2 submitters: Uncertain significance (2). Last evaluated 2023-08-27.

Allele frequency attached by ClinVar (database versions not stated): ESP Exome Variant Server 0.00008.

Submissions (2):

Labcorp Genetics (formerly Invitae), Labcorp
Classification: Uncertain significance. Last evaluated: 2023-08-27. Review status: criteria provided, single submitter. Criteria: Invitae Variant Classification Sherloc (09022015). Collection method: clinical testing. Allele origin: germline.
Comment: In summary, the available evidence is currently insufficient to determine the role of this variant in disease. Therefore, it has been classified as a Variant of Uncertain Significance. An algorithm developed to predict the effect of missense changes on protein structure and function (PolyPhen-2) suggests that this variant is likely to be disruptive. ClinVar contains an entry for this variant (Variation ID: 1319624). This variant has not been reported in the literature in individuals affected with RHBDF2-related conditions. This variant is present in population databases (rs145040227, gnomAD 0.02%). This sequence change replaces arginine, which is basic and polar, with histidine, which is basic and polar, at codon 235 of the RHBDF2 protein (p.Arg235His).

Institute for Clinical Genetics, University Hospital TU Dresden, University Hospital TU Dresden
Classification: Uncertain significance. Last evaluated: 2021-11-03. Review status: criteria provided, single submitter. Criteria: ACMG Guidelines, 2015. Collection method: clinical testing. Allele origin: germline.